The following is an entry in ClinVar:

NM_007098.4(CLTCL1):c.4733G>A (p.Arg1578His)

Gene: CLTCL1 (clathrin heavy chain like 1; minus strand). Cytogenetic location: 22q11.21.
Variant type: single nucleotide variant.
Coding change: c.4733G>A on transcript NM_007098.4 (MANE Select); coding-DNA position 4733, G replaced by A.
Protein change: p.Arg1578His; replaces arginine 1578 with histidine.
Molecular consequence: missense variant.
Genome position (GRCh38, 1-based): chr22:19,183,484, C>T on the plus strand (G>A on the coding strand, the complement: CLTCL1 is on the minus strand). VCF-style: chr22-19183484-C-T. GRCh37 (hg19) VCF-style: chr22-19170997-C-T.
Other names: p.Arg1578His; c.4562G>A, p.Arg1521His (NM_001835.4); short protein forms R1521H, R1578H.
Identifiers: ClinVar variation 4542419 (VCV004542419.1).

ClinVar aggregate classification (germline): Uncertain significance (1 of 4 stars; one submission).

gnomAD v4.1: 45 of 1,613,590 alleles (0.0028%); highest among the groups gnomAD compares: South Asian, 0.0055%; no homozygotes.

Submission:

Mayo Clinic Laboratories, Mayo Clinic
Classification: Uncertain significance. Last evaluated: 2025-08-28. Review status: criteria provided, single submitter. Criteria: ACMG Guidelines, 2015. Collection method: clinical testing. Allele origin: germline. Observed: 1 variant allele.
Comment: BP4_moderate